The following is an entry in ClinVar:

NM_024721.5(ZFHX4):c.351C>A (p.Ser117Arg)

Gene: ZFHX4 (zinc finger homeobox 4; plus strand). Cytogenetic location: 8q21.13.
Variant type: single nucleotide variant.
Coding change: c.351C>A on transcript NM_024721.5 (MANE Select); coding-DNA position 351, C replaced by A.
Protein change: p.Ser117Arg; replaces serine 117 with arginine.
Molecular consequence: missense variant.
Genome position (GRCh38, 1-based): chr8:76,704,439, C>A. VCF-style: chr8-76704439-C-A. GRCh37 (hg19) VCF-style: chr8-77616674-C-A.
Other names: c.351C>A, p.Ser117Arg (NM_001410934.1); short protein forms S117R.
Identifiers: ClinVar variation 5041618 (VCV005041618.1).

ClinVar aggregate classification (germline): Likely benign (1 of 4 stars; one submission).

gnomAD v4.1: 4 of 1,613,828 alleles (0.00025%); highest among the groups gnomAD compares: Admixed American, 0.0017%; no homozygotes.

Submission:

CeGaT Center for Human Genetics Tuebingen
Classification: Likely benign. Last evaluated: 2026-09-01. Review status: criteria provided, single submitter. Criteria: CeGaT Center For Human Genetics Tuebingen Variant Classification Criteria Version 2. Collection method: clinical testing. Allele origin: germline. Affected: yes. Observed: 1 variant allele.
Comment: ZFHX4: BS2